The following is an entry in ClinVar:

ClinVar aggregate classification (germline): Likely benign. Review status: criteria provided, single submitter (1 of 4 stars). 2 submissions from 2 submitters: Likely benign (1). 1 of the submissions does not count toward it. Last evaluated 2025-12-29.

Conditions:
SLIT2-related disorder. Also called: SLIT2-related condition.

Allele frequency attached by ClinVar (database versions not stated): TOPMed 0.00050; 1000 Genomes Project 0.00160; 1000 Genomes Project 30x 0.00187.
gnomAD v4.1: 542 of 1,614,116 alleles (0.034%); highest among the groups gnomAD compares: East Asian, 1%; 5 homozygotes.

Submissions (2):

Labcorp Genetics (formerly Invitae), Labcorp
Classification: Likely benign. Last evaluated: 2025-12-29. Review status: criteria provided, single submitter. Criteria: Invitae Variant Classification Sherloc (09022015). Collection method: clinical testing. Allele origin: germline.

PreventionGenetics, part of Exact Sciences
Classification: Likely benign for SLIT2-related condition. Last evaluated: 2021-01-04. Review status: no assertion criteria provided. Collection method: clinical testing. Allele origin: germline. Not counted in ClinVar's aggregate classification.
Comment: This variant is classified as likely benign based on ACMG/AMP sequence variant interpretation guidelines (Richards et al. 2015 PMID: 25741868, with internal and published modifications).

NM_004787.4(SLIT2):c.3220G>C (p.Asp1074His)

Gene: SLIT2 (slit guidance ligand 2; plus strand). Cytogenetic location: 4p15.31.
Variant type: single nucleotide variant.
Coding change: c.3220G>C on transcript NM_004787.4 (MANE Select); coding-DNA position 3220, G replaced by C.
Protein change: p.Asp1074His; replaces aspartic acid 1074 with histidine.
Molecular consequence: missense variant.
Genome position (GRCh38, 1-based): chr4:20,595,734, G>C. VCF-style: chr4-20595734-G-C. GRCh37 (hg19) VCF-style: chr4-20597357-G-C.
Other names: c.3208G>C, p.Asp1070His (NM_001289135.3); c.3196G>C, p.Asp1066His (NM_001289136.3); short protein forms D1066H, D1074H, D1070H.
Identifiers: ClinVar variation 725747 (VCV000725747.11), dbSNP rs143782841, ClinGen allele CA2872114.